The following is an entry in ClinVar:

ClinVar aggregate classification (germline): Uncertain significance (1 of 4 stars; one submission).

Submission:

GeneDx
Classification: Uncertain significance. Last evaluated: 2019-07-26. Review status: criteria provided, single submitter. Criteria: GeneDx Variant Classification Process June 2021. Collection method: clinical testing. Allele origin: germline. Affected: yes.
Comment: Not observed in large population cohorts (Lek et al., 2016); In silico analysis, which includes protein predictors and evolutionary conservation, supports a deleterious effect; Has not been previously published as pathogenic or benign to our knowledge

NM_000548.5(TSC2):c.716T>C (p.Phe239Ser)

Gene: TSC2 (TSC complex subunit 2; plus strand). Cytogenetic location: 16p13.3.
Variant type: single nucleotide variant.
Coding change: c.716T>C on transcript NM_000548.5 (MANE Select); coding-DNA position 716, T replaced by C.
Protein change: p.Phe239Ser; replaces phenylalanine 239 with serine.
Molecular consequence: missense variant.
Genome position (GRCh38, 1-based): chr16:2,056,711, T>C. VCF-style: chr16-2056711-T-C. GRCh37 (hg19) VCF-style: chr16-2106712-T-C.
Other names: c.716T>C, p.Phe239Ser (NM_001077183.3, NM_001114382.3, NM_001363528.2 and 3 more transcripts); c.605T>C, p.Phe202Ser (NM_001318827.2); c.569T>C, p.Phe190Ser (NM_001318829.2); c.116T>C, p.Phe39Ser (NM_001318831.2); c.749T>C, p.Phe250Ser (NM_001318832.2); short protein forms F190S, F202S, F239S, F250S, F39S.
Identifiers: ClinVar variation 1306820 (VCV001306820.2), dbSNP rs778544723, ClinGen allele CA394312720.